The following is an entry in ClinVar:

ClinVar aggregate classification (germline): Likely benign (1 of 4 stars; one submission).

Submission:

CeGaT Center for Human Genetics Tuebingen
Classification: Likely benign. Last evaluated: 2023-07-01. Review status: criteria provided, single submitter. Criteria: CeGaT Center For Human Genetics Tuebingen Variant Classification Criteria Version 2. Collection method: clinical testing. Allele origin: germline. Affected: yes. Observed: 1 variant allele.
Comment: TTN: PM2:Supporting, BP4, BP7

NM_001267550.2(TTN):c.37404G>A (p.Lys12468=)

Gene: TTN (titin; minus strand). Cytogenetic location: 2q31.2.
Variant type: single nucleotide variant.
Coding change: c.37404G>A on transcript NM_001267550.2 (MANE Select); coding-DNA position 37404, G replaced by A.
Protein change: p.Lys12468=; no amino-acid change (lysine 12468 retained).
Molecular consequence: synonymous variant. On other transcripts: intron variant (3).
Genome position (GRCh38, 1-based): chr2:178,659,054, C>T on the plus strand (G>A on the coding strand, the complement: TTN is on the minus strand). VCF-style: chr2-178659054-C-T. GRCh37 (hg19) VCF-style: chr2-179523781-C-T.
Other names: c.34473G>A, p.Lys11491= (NM_001256850.1); c.31692G>A, p.Lys10564= (NM_133378.4); c.13283-16737G>A (NM_003319.4); c.13859-16737G>A (NM_133437.4); c.13658-16737G>A (NM_133432.3).
Identifiers: ClinVar variation 2578885 (VCV002578885.25), dbSNP rs2064256779, ClinGen allele CA430114146.